The following is an entry in ClinVar:

NM_024301.5(FKRP):c.818G>A (p.Gly273Asp)

Gene: FKRP (fukutin related protein; plus strand). Cytogenetic location: 19q13.32.
Variant type: single nucleotide variant.
Coding change: c.818G>A on transcript NM_024301.5 (MANE Select); coding-DNA position 818, G replaced by A.
Protein change: p.Gly273Asp; replaces glycine 273 with aspartic acid.
Molecular consequence: missense variant.
Genome position (GRCh38, 1-based): chr19:46,756,268, G>A. VCF-style: chr19-46756268-G-A. GRCh37 (hg19) VCF-style: chr19-47259525-G-A.
Other names: c.818G>A, p.Gly273Asp (NM_001039885.3); short protein forms G273D.
Identifiers: ClinVar variation 4257869 (VCV004257869.1).

ClinVar aggregate classification (germline): Uncertain significance (1 of 4 stars; one submission).

Conditions:
Cardiovascular phenotype. Identifiers: MedGen CN230736.

gnomAD v4.1: 2 of 1,505,040 alleles (0.00013%); highest among the groups gnomAD compares: East Asian, 0.0025%; no homozygotes.

Submission:

Ambry Genetics
Classification: Uncertain significance for Cardiovascular phenotype. Last evaluated: 2025-08-03. Review status: criteria provided, single submitter. Criteria: Ambry Variant Classification Scheme 2023. Collection method: clinical testing. Allele origin: germline.
Comment: The p.G273D variant (also known as c.818G>A), located in coding exon 1 of the FKRP gene, results from a G to A substitution at nucleotide position 818. The glycine at codon 273 is replaced by aspartic acid, an amino acid with similar properties. This amino acid position is conserved. In addition, the in silico prediction for this alteration is inconclusive. Based on the available evidence, the clinical significance of this variant remains unclear.